The following is an entry in ClinVar:

NM_003177.7(SYK):c.1182-7C>G

Gene: SYK (spleen associated tyrosine kinase; plus strand). Cytogenetic location: 9q22.2.
Variant type: single nucleotide variant.
Coding change: c.1182-7C>G on transcript NM_003177.7 (MANE Select); 7 bases into the intron before coding-DNA position 1182, C replaced by G.
Molecular consequence: intron variant.
Genome position (GRCh38, 1-based): chr9:90,877,564, C>G. VCF-style: chr9-90877564-C-G. GRCh37 (hg19) VCF-style: chr9-93639846-C-G.
Other names: NC_000009.11:g.93639846C>G; p.?; c.1113-7C>G (NM_001174168.3, NM_001135052.4); c.1182-7C>G (NM_001174167.3).
Identifiers: ClinVar variation 2688259 (VCV002688259.5), dbSNP rs290223, ClinGen allele CA5119448.

ClinVar aggregate classification (germline): Benign. Review status: criteria provided, multiple submitters, no conflicts (2 of 4 stars). 3 submissions from 3 submitters: Benign (3). Last evaluated 2026-01-21.

Allele frequency attached by ClinVar (database versions not stated): ESP Exome Variant Server 0.20690; TOPMed 0.22194; 1000 Genomes Project 30x 0.29638; 1000 Genomes Project 0.30152.
gnomAD v4.1: 357,527 of 1,613,642 alleles (22%); highest among the groups gnomAD compares: East Asian, 53%; 43,059 homozygotes.

Submissions (13):

Women's Health and Genetics/Laboratory Corporation of America, LabCorp
Classification: Benign. Last evaluated: 2026-01-21. Review status: criteria provided, single submitter. Criteria: LabCorp Variant Classification Summary - May 2015. Collection method: clinical testing. Allele origin: germline.

Unidad de Genómica Garrahan, Hospital de Pediatría Garrahan
Classification: Benign. Last evaluated: 2024-01-24. Review status: criteria provided, single submitter. Criteria: ACMG Guidelines, 2015. Collection method: clinical testing. Allele origin: germline. Affected: no. Observed: 28 variant alleles.
Comment: This variant is classified as Benign based on local population frequency. This variant was detected in 29% of patients studied by a panel of primary immunodeficiencies. Number of patients: 28. Only high quality variants are reported.

Mayo Clinic Laboratories, Mayo Clinic
Classification: Benign. Last evaluated: 2022-09-06. Review status: criteria provided, single submitter. Criteria: ACMG Guidelines, 2015. Collection method: clinical testing. Allele origin: germline. Observed: 18 variant alleles.

Dr. Peter K. Rogan Lab, Western University
No classification provided (evidence only). Condition: Malignant lymphoma, large B-cell, diffuse. Review status: no classification provided. Collection method: in vitro. Allele origin: not applicable. Functional consequence: retained intron. Not counted in ClinVar's aggregate classification.

Dr. Peter K. Rogan Lab, Western University
No classification provided (evidence only). Condition: Malignant lymphoma, large B-cell, diffuse. Review status: no classification provided. Collection method: in vitro. Allele origin: not applicable. Functional consequence: retained intron. Not counted in ClinVar's aggregate classification.

Dr. Peter K. Rogan Lab, Western University
No classification provided (evidence only). Condition: Malignant lymphoma, large B-cell, diffuse. Review status: no classification provided. Collection method: in vitro. Allele origin: not applicable. Functional consequence: retained intron. Not counted in ClinVar's aggregate classification.

Dr. Peter K. Rogan Lab, Western University
No classification provided (evidence only). Condition: Malignant lymphoma, large B-cell, diffuse. Review status: no classification provided. Collection method: in vitro. Allele origin: not applicable. Functional consequence: retained intron. Not counted in ClinVar's aggregate classification.

Dr. Peter K. Rogan Lab, Western University
No classification provided (evidence only). Condition: Malignant lymphoma, large B-cell, diffuse. Review status: no classification provided. Collection method: in vitro. Allele origin: not applicable. Functional consequence: retained intron. Not counted in ClinVar's aggregate classification.

Dr. Peter K. Rogan Lab, Western University
No classification provided (evidence only). Condition: Malignant lymphoma, large B-cell, diffuse. Review status: no classification provided. Collection method: in vitro. Allele origin: not applicable. Functional consequence: retained intron. Not counted in ClinVar's aggregate classification.

Dr. Peter K. Rogan Lab, Western University
No classification provided (evidence only). Condition: Malignant lymphoma, large B-cell, diffuse. Review status: no classification provided. Collection method: in vitro. Allele origin: not applicable. Functional consequence: retained intron. Not counted in ClinVar's aggregate classification.

Dr. Peter K. Rogan Lab, Western University
No classification provided (evidence only). Condition: Hepatocellular carcinoma. Review status: no classification provided. Collection method: in vitro. Allele origin: not applicable. Functional consequence: retained intron. Not counted in ClinVar's aggregate classification.

Dr. Peter K. Rogan Lab, Western University
No classification provided (evidence only). Condition: Uterine carcinosarcoma. Review status: no classification provided. Collection method: in vitro. Allele origin: not applicable. Functional consequence: retained intron. Not counted in ClinVar's aggregate classification.

Dr. Peter K. Rogan Lab, Western University
No classification provided (evidence only). Condition: Uterine carcinosarcoma. Review status: no classification provided. Collection method: in vitro. Allele origin: not applicable. Functional consequence: retained intron. Not counted in ClinVar's aggregate classification.